The following is an entry in ClinVar:

ClinVar aggregate classification (germline): Uncertain significance (1 of 4 stars; one submission).

Submission:

Labcorp Genetics (formerly Invitae), Labcorp
Classification: Uncertain significance. Last evaluated: 2024-05-06. Review status: criteria provided, single submitter. Criteria: Invitae Variant Classification Sherloc (09022015). Collection method: clinical testing. Allele origin: germline.
Comment: This sequence change replaces threonine, which is neutral and polar, with serine, which is neutral and polar, at codon 354 of the MYH3 protein (p.Thr354Ser). This variant is not present in population databases (gnomAD no frequency). This variant has not been reported in the literature in individuals affected with MYH3-related conditions. Advanced modeling of protein sequence and biophysical properties (such as structural, functional, and spatial information, amino acid conservation, physicochemical variation, residue mobility, and thermodynamic stability) has been performed at Invitae for this missense variant, however the output from this modeling did not meet the statistical confidence thresholds required to predict the impact of this variant on MYH3 protein function. In summary, the available evidence is currently insufficient to determine the role of this variant in disease. Therefore, it has been classified as a Variant of Uncertain Significance.

NM_002470.4(MYH3):c.1060A>T (p.Thr354Ser)

Gene: MYH3 (myosin heavy chain 3; minus strand). Cytogenetic location: 17p13.1.
Variant type: single nucleotide variant.
Coding change: c.1060A>T on transcript NM_002470.4 (MANE Select); coding-DNA position 1060, A replaced by T.
Protein change: p.Thr354Ser; replaces threonine 354 with serine.
Molecular consequence: missense variant.
Genome position (GRCh38, 1-based): chr17:10,645,788, T>A on the plus strand (A>T on the coding strand, the complement: MYH3 is on the minus strand). VCF-style: chr17-10645788-T-A. GRCh37 (hg19) VCF-style: chr17-10549105-T-A.
Other names: short protein forms T354S.
Identifiers: ClinVar variation 3679359 (VCV003679359.2).